The following is an entry in ClinVar:

NM_024675.4(PALB2):c.959dup (p.Asn320fs)

Gene: PALB2 (partner and localizer of BRCA2; minus strand). Cytogenetic location: 16p12.2.
Variant type: Duplication.
Coding change: c.959dup on transcript NM_024675.4 (MANE Select); coding-DNA position 959, one base duplicated (A; older notation c.959dupA).
Protein change: p.Asn320fs; shifts the reading frame from asparagine 320.
Molecular consequence: frameshift variant. On other transcripts: intron variant (3).
Genome position (GRCh38, 1-based): chr16:23,635,587, T duplicated on the plus strand (A on the coding strand, the reverse complement: PALB2 is on the minus strand); the first of 2 consecutive T bases (chr16:23,635,587-23,635,588); duplicating either gives the same sequence. VCF-style (leftmost placement, unchanged base first): chr16-23635586-A-AT. GRCh37 (hg19) VCF-style: chr16-23646907-A-AT.
Other names: c.899dup, p.Asn300fs (NM_001407296.1); c.959dup, p.Asn320fs (NM_001407297.1, NM_001407298.1, NM_001407299.1 and 3 more transcripts); c.74dup, p.Asn25fs (NM_001407304.1, NM_001407305.1, NM_001407306.1 and 5 more transcripts); c.48+5523dup (NM_001407314.1); c.-104-5118dup (NM_001407313.1, NM_001407312.1); short protein forms N320fs, N25fs, N300fs.
Identifiers: ClinVar variation 4718378 (VCV004718378.1).

ClinVar aggregate classification (germline): Pathogenic (1 of 4 stars; one submission).

Conditions:
Familial cancer of breast. Also called: hereditary breast carcinoma; BREAST CANCER, FAMILIAL; Hereditary breast cancer. Identifiers: Orphanet 227535, MedGen C0346153, MONDO:0016419, OMIM 114480. Disease mechanism: loss of function.

Submission:

Labcorp Genetics (formerly Invitae), Labcorp
Classification: Pathogenic for Familial cancer of breast. Last evaluated: 2025-04-27. Review status: criteria provided, single submitter. Criteria: Invitae Variant Classification Sherloc (09022015). Collection method: clinical testing. Allele origin: germline.
Comment: This sequence change creates a premature translational stop signal (p.Asn320Lysfs*12) in the PALB2 gene. It is expected to result in an absent or disrupted protein product. Loss-of-function variants in PALB2 are known to be pathogenic (PMID: 17200668, 17200671, 17200672, 24136930, 25099575). This variant is not present in population databases (gnomAD no frequency). This variant has not been reported in the literature in individuals affected with PALB2-related conditions. For these reasons, this variant has been classified as Pathogenic.

Literature cited by the submitters: PubMed 17200668; PubMed 17200671; PubMed 17200672; PubMed 24136930; PubMed 25099575.